The following is an entry in ClinVar:

ClinVar aggregate classification (germline): Likely pathogenic (1 of 4 stars; one submission).

Conditions:
Holoprosencephaly 3 (HPE3). Identifiers: Orphanet 2162, MedGen C1840529, MONDO:0007733, OMIM 142945.

Submission:

Victorian Clinical Genetics Services, Murdoch Childrens Research Institute
Classification: Likely pathogenic for Holoprosencephaly 3. Last evaluated: 2023-07-17. Review status: criteria provided, single submitter. Criteria: ACMG Guidelines, 2015. Collection method: clinical testing. Allele origin: germline. Inheritance: Autosomal dominant inheritance. Affected: yes.
Comment: Based on the classification scheme VCGS_Germline_v1.3.4, this variant is classified as likely pathogenic. Following criteria are met: 0103 - Dominant negative and loss of function are known mechanisms of disease in this gene and are associated with holoprosencephaly 3 (MIM#142945), microphthalmia with coloboma 5 (MIM#611638), and single median maxillary central incisor (MIM#147250). Loss of function is the typical disease mechanism, but dominant negative has been reported for a small number of missense variants (PMID: 19057928). (I) 0107 - This gene is associated with autosomal dominant disease. (I) 0112 - The condition associated with this gene has incomplete penetrance (PMID: 20104608). (I) 0115 - Variants in this gene are known to have variable expressivity (PMID: 20104608). (I) 0200 - Variant is predicted to result in a missense amino acid change from tyrosine to cysteine. (I) 0251 - This variant is heterozygous. (I) 0301 - Variant is absent from gnomAD (both v2 and v3). (SP) 0501 - Missense variant consistently predicted to be damaging by multiple in silico tools or highly conserved with a major amino acid change. (SP) 0601 - Variant is located in the well-established functional sterol recognition motif. This motif, defined by the amino acid sequence G*HWY, is important for protein localisation and cholesterolysis in Drosophila and humans (PMID: 16678778, 32440000). (SP) 0704 - Another variant type variant comparable to the one identified in this case has limited previous evidence for pathogenicity. An alternative missense change to asparagine in this codon has been reported de novo in an individual with holoprosencephaly in the literature (PMID: 29992659). (SP) 0807 - This variant has no previous evidence of pathogenicity. (I) 0905 - No published segregation evidence has been identified for this variant. (I) 1007 - No published functional evidence has been identified for this variant. (I) Legend: (SP) - Supporting pathogenic, (I) - Information, (SB) - Supporting benign

Literature cited by the submitters: PubMed 16678778; PubMed 19057928; PubMed 20104608; PubMed 29992659; PubMed 32440000.

NM_000193.4(SHH):c.1304A>G (p.Tyr435Cys)

Gene: SHH (sonic hedgehog signaling molecule; minus strand). Cytogenetic location: 7q36.3.
Variant type: single nucleotide variant.
Coding change: c.1304A>G on transcript NM_000193.4 (MANE Select); coding-DNA position 1304, A replaced by G.
Protein change: p.Tyr435Cys; replaces tyrosine 435 with cysteine.
Molecular consequence: missense variant. On other transcripts: intron variant (1).
Genome position (GRCh38, 1-based): chr7:155,802,985, T>C on the plus strand (A>G on the coding strand, the complement: SHH is on the minus strand). VCF-style: chr7-155802985-T-C. GRCh37 (hg19) VCF-style: chr7-155595679-T-C.
Other names: c.302-2740A>G (NM_001310462.2); short protein forms Y435C.
Identifiers: ClinVar variation 3254603 (VCV003254603.1), dbSNP rs2117124904.